The following is an entry in ClinVar:

NM_001267550.2(TTN):c.66442G>A (p.Ala22148Thr)

Genes: TTN (titin; minus strand), TTN-AS1 (TTN antisense RNA 1; plus strand). Cytogenetic location: 2q31.2.
Variant type: single nucleotide variant.
Coding change: c.66442G>A on transcript NM_001267550.2 (MANE Select); coding-DNA position 66442, G replaced by A.
Protein change: p.Ala22148Thr; replaces alanine 22148 with threonine.
Molecular consequence: missense variant.
Genome position (GRCh38, 1-based): chr2:178,581,927, C>T on the plus strand (G>A on the coding strand, the complement: TTN is on the minus strand). VCF-style: chr2-178581927-C-T. GRCh37 (hg19) VCF-style: chr2-179446654-C-T.
Other names: c.61519G>A, p.Ala20507Thr (NM_001256850.1); c.39247G>A, p.Ala13083Thr (NM_003319.4); c.58738G>A, p.Ala19580Thr (NM_133378.4); c.39622G>A, p.Ala13208Thr (NM_133432.3); c.39823G>A, p.Ala13275Thr (NM_133437.4); short protein forms A22148T, A19580T, A13083T, A13275T, A13208T, A20507T.
Identifiers: ClinVar variation 196003 (VCV000196003.7), dbSNP rs794727433, ClinGen allele CA242745.

ClinVar aggregate classification (germline): Uncertain significance. Review status: criteria provided, multiple submitters, no conflicts (2 of 4 stars). 2 submissions from 2 submitters: Uncertain significance (2). Last evaluated 2019-03-27.

Allele frequency attached by ClinVar (database versions not stated): gnomAD 0.00001; gnomAD exomes 0.00001 and 0.00002; TOPMed 0.00001.
gnomAD v4.1: 16 of 1,613,054 alleles (0.00099%); highest among the groups gnomAD compares: East Asian, 0.02%; no homozygotes.

Submissions (2):

GeneDx
Classification: Uncertain significance. Last evaluated: 2019-03-27. Review status: criteria provided, single submitter. Criteria: GeneDx Variant Classification Process June 2021. Collection method: clinical testing. Allele origin: germline. Affected: yes.
Comment: Has not been previously published as pathogenic or benign to our knowledge; Not observed at a significant frequency in large population cohorts (Lek et al., 2016); Missense variant in a gene in which most reported pathogenic variants are truncating/loss-of-function; Reported in ClinVar as a variant of uncertain significance but additional evidence is not available (SCV000228407.5; Landrum et al., 2016)

Eurofins Ntd Llc (ga)
Classification: Uncertain significance. Last evaluated: 2014-11-06. Review status: criteria provided, single submitter. Criteria: EGL Classification Definitions 2015. Collection method: clinical testing. Allele origin: germline. Observed: 3 variant alleles, 3 heterozygotes.